The following is an entry in ClinVar:

NM_153676.4(USH1C):c.2138A>G (p.Gln713Arg)

Gene: USH1C (USH1 protein network component harmonin; minus strand). Cytogenetic location: 11p15.1.
Variant type: single nucleotide variant.
Coding change: c.2138A>G on transcript NM_153676.4 (MANE Select); coding-DNA position 2138, A replaced by G.
Protein change: p.Gln713Arg; replaces glutamine 713 with arginine.
Molecular consequence: missense variant. On other transcripts: intron variant (2).
Genome position (GRCh38, 1-based): chr11:17,504,693, T>C on the plus strand (A>G on the coding strand, the complement: USH1C is on the minus strand). VCF-style: chr11-17504693-T-C. GRCh37 (hg19) VCF-style: chr11-17526240-T-C.
Other names: c.1228-2713A>G (NM_001297764.2); c.1285-2713A>G (NM_005709.4); short protein forms Q713R.
Identifiers: ClinVar variation 489199 (VCV000489199.3), dbSNP rs1554955501, ClinGen allele CA379805150.

ClinVar aggregate classification (germline): Uncertain significance (1 of 4 stars; one submission).

Allele frequency attached by ClinVar (database versions not stated): TOPMed below 0.00001; gnomAD 0.00001.
gnomAD v4.1: 1 of 1,613,778 alleles (0.000062%); highest among the groups gnomAD compares: Admixed American, 0.0017%; no homozygotes.

Submission:

GeneDx
Classification: Uncertain significance. Last evaluated: 2025-07-07. Review status: criteria provided, single submitter. Criteria: GeneDx Variant Classification Process June 2021. Collection method: clinical testing. Allele origin: germline. Affected: yes.
Comment: Not observed at significant frequency in large population cohorts (gnomAD); In silico analysis suggests that this missense variant does not alter protein structure/function; Has not been previously published as pathogenic or benign to our knowledge; Reported using an alternate transcript of the gene